The following is an entry in ClinVar:

NM_152383.5(DIS3L2):c.1208A>G (p.Asn403Ser)

Gene: DIS3L2 (DIS3 like 3'-5' exoribonuclease 2; plus strand). Cytogenetic location: 2q37.1.
Variant type: single nucleotide variant.
Coding change: c.1208A>G on transcript NM_152383.5 (MANE Select); coding-DNA position 1208, A replaced by G.
Protein change: p.Asn403Ser; replaces asparagine 403 with serine.
Molecular consequence: missense variant. On other transcripts: non-coding transcript variant (2).
Genome position (GRCh38, 1-based): chr2:232,238,536, A>G. VCF-style: chr2-232238536-A-G. GRCh37 (hg19) VCF-style: chr2-233103246-A-G.
Other names: c.1208A>G, p.Asn403Ser (NM_001257281.2); short protein forms N403S.
Identifiers: ClinVar variation 852176 (VCV000852176.7), dbSNP rs761671385, ClinGen allele CA2164087.
Genomic context (GRCh38, chr2:232,238,536, plus strand): 5'-GGAGAGAATGCTGTGGCCTTCCACGCCAGCCTGATAGTCCTTCTCGTGCATTTACAGGCA[A>G]CTTCAAAGTGGGAGTTCACATTGCTGACGTGAGTTACTTTGTTCCGGAGGGATCTGATCT-3'
Protein context (NP_689596.4, residues 393-413): ALSCKPLADG[Asn403Ser]FKVGVHIADV

ClinVar aggregate classification (germline): Uncertain significance (1 of 4 stars; one submission).

Conditions:
Perlman syndrome (PRLMNS). Identifiers: Orphanet 2849, MedGen C0796113, MONDO:0009965, OMIM 267000.

Allele frequency attached by ClinVar (database versions not stated): gnomAD exomes 0.00001; ExAC 0.00002.
gnomAD v4.1: 25 of 1,613,838 alleles (0.0015%); highest among the groups gnomAD compares: South Asian, 0.0077%; no homozygotes.

Submission:

Labcorp Genetics (formerly Invitae), Labcorp
Classification: Uncertain significance for Perlman syndrome. Last evaluated: 2026-01-15. Review status: criteria provided, single submitter. Criteria: Invitae Variant Classification Sherloc (09022015). Collection method: clinical testing. Allele origin: germline.
Comment: This sequence change replaces asparagine, which is neutral and polar, with serine, which is neutral and polar, at codon 403 of the DIS3L2 protein (p.Asn403Ser). This variant is present in population databases (rs761671385, gnomAD 0.003%). This variant has not been reported in the literature in individuals affected with DIS3L2-related conditions. ClinVar contains an entry for this variant (Variation ID: 852176). Invitae Evidence Modeling of protein sequence and biophysical properties (such as structural, functional, and spatial information, amino acid conservation, physicochemical variation, residue mobility, and thermodynamic stability) indicates that this missense variant is not expected to disrupt DIS3L2 protein function with a negative predictive value of 80%. RNA analysis performed to evaluate the impact of this missense change on mRNA splicing indicates it does not significantly alter splicing (internal data). In summary, the available evidence is currently insufficient to determine the role of this variant in disease. Therefore, it has been classified as a Variant of Uncertain Significance.